The following is an entry in ClinVar:

ClinVar aggregate classification (germline): Pathogenic (1 of 4 stars; one submission).

Submission:

Clinical Genetics Laboratory, Skane University Hospital Lund
Classification: Pathogenic. Last evaluated: 2026-05-18. Review status: criteria provided, single submitter. Criteria: ACMG Guidelines, 2015. Collection method: clinical testing. Allele origin: germline. Affected: yes.
Comment: ACMG criteria PVS1, PS4_moderate and PM2

NM_004281.4(BAG3):c.460del (p.Val154fs)

Gene: BAG3 (BAG cochaperone 3; plus strand). Cytogenetic location: 10q26.11.
Variant type: Deletion.
Coding change: c.460del on transcript NM_004281.4 (MANE Select); coding-DNA position 460, one base deleted (G; older notation c.460delG).
Protein change: p.Val154fs; shifts the reading frame from valine 154.
Molecular consequence: frameshift variant.
Genome position (GRCh38, 1-based): chr10:119,670,130, G deleted; the last of 2 consecutive G bases (chr10:119,670,129-119,670,130); deleting either gives the same sequence. VCF-style (leftmost placement, unchanged base first): chr10-119670128-AG-A. GRCh37 (hg19) VCF-style: chr10-121429640-AG-A.
Other names: short protein forms V154fs.
Identifiers: ClinVar variation 3337844 (VCV003337844.2).
Genomic context (GRCh38, chr10:119,670,128, plus strand): 5'-GGTCCCAGTCACCTCTGCGGGGCATGCCAGAAACCACTCAGCCAGATAAACAGTGTGGAC[AG>A]GTGGCAGCGGCGGCGGCAGCCCAGCCCCCAGCCTCCCACGGACCTGAGGTAAGGAGAGGC-3'